The following is an entry in ClinVar:

ClinVar aggregate classification (germline): Likely benign. Review status: criteria provided, single submitter (1 of 4 stars). 2 submissions from 2 submitters: Likely benign (1). 1 of the submissions does not count toward it. Last evaluated 2022-08-09.

Conditions:
COL4A1-related disorder. Also called: COL4A1-related disorders; COL4A1-related condition. Identifiers: MedGen CN376119, MONDO:0800461.

Submissions (2):

Labcorp Genetics (formerly Invitae), Labcorp
Classification: Likely benign. Last evaluated: 2022-08-09. Review status: criteria provided, single submitter. Criteria: Invitae Variant Classification Sherloc (09022015). Collection method: clinical testing. Allele origin: germline.

PreventionGenetics, part of Exact Sciences
Classification: Likely benign for COL4A1-related condition. Last evaluated: 2020-11-03. Review status: no assertion criteria provided. Collection method: clinical testing. Allele origin: germline. Not counted in ClinVar's aggregate classification.
Comment: This variant is classified as likely benign based on ACMG/AMP sequence variant interpretation guidelines (Richards et al. 2015 PMID: 25741868, with internal and published modifications).

NM_001845.6(COL4A1):c.2658C>T (p.Thr886=)

Gene: COL4A1 (collagen type IV alpha 1 chain; minus strand). Cytogenetic location: 13q34.
Variant type: single nucleotide variant.
Coding change: c.2658C>T on transcript NM_001845.6 (MANE Select); coding-DNA position 2658, C replaced by T.
Protein change: p.Thr886=; no amino-acid change (threonine 886 retained).
Molecular consequence: synonymous variant.
Genome position (GRCh38, 1-based): chr13:110,177,900, G>A on the plus strand (C>T on the coding strand, the complement: COL4A1 is on the minus strand). VCF-style: chr13-110177900-G-A. GRCh37 (hg19) VCF-style: chr13-110830247-G-A.
Other names: c.2658C>T (NM_001845.5).
Identifiers: ClinVar variation 1633999 (VCV001633999.10), dbSNP rs2139163970, ClinGen allele CA484980996.
Genomic context (GRCh38, chr13:110,177,900, plus strand): 5'-ACCTTTTTCACCCGGTAATCCAGGAGCACCCACTGGTCCTGGTGAGCCCGGCTGCCCGGG[G>A]GTCCCCATGACGCCCATTTCTCCCTTGGAACCTGTGGCCAAAGGAAAGGACTGTGAACAT-3'
Protein context (NP_001836.3, residues 876-896): GSKGEMGVMG[Thr886=]PGQPGSPGPV